The following is an entry in ClinVar:

ClinVar aggregate classification (germline): Likely pathogenic (1 of 4 stars; one submission).

Conditions:
Charcot-Marie-Tooth disease X-linked dominant 1. Also called: Charcot-Marie-Tooth Neuropathy X Type 1; X-linked Charcot-Marie-Tooth disease type 1; GJB1 Disorders: Charcot-Marie-Tooth Neuropathy (CMT1X) and Central Nervous System Phenotypes; HEREDITARY MOTOR AND SENSORY NEUROPATHY, X-LINKED; HMSN, X-LINKED; CHARCOT-MARIE-TOOTH NEUROPATHY, X-LINKED, 1. Identifiers: Orphanet 101075, MedGen C0393808, MONDO:0010549, OMIM 302800.

Submission:

Institute of Human Genetics, University of Leipzig Medical Center
Classification: Likely pathogenic for Charcot-Marie-Tooth disease X-linked dominant 1. Last evaluated: 2019-08-26. Review status: criteria provided, single submitter. Criteria: ACMG Guidelines, 2015. Collection method: clinical testing. Allele origin: germline. Affected: yes. Observed: 1 variant allele.
Comment: This variant was identified as hemizygous

NM_000166.6(GJB1):c.467T>A (p.Leu156His)

Gene: GJB1 (gap junction protein beta 1; plus strand). Cytogenetic location: Xq13.1.
Variant type: single nucleotide variant.
Coding change: c.467T>A on transcript NM_000166.6 (MANE Select); coding-DNA position 467, T replaced by A.
Protein change: p.Leu156His; replaces leucine 156 with histidine.
Molecular consequence: missense variant.
Genome position (GRCh38, 1-based): chrX:71,224,174, T>A. VCF-style: chrX-71224174-T-A. GRCh37 (hg19) VCF-style: chrX-70444024-T-A.
Other names: c.467T>A, p.Leu156His (NM_001097642.3); short protein forms L156H.
Identifiers: ClinVar variation 976021 (VCV000976021.1), dbSNP rs104894818, ClinGen allele CA413502628.
Genomic context (GRCh38, chrX:71,224,174, plus strand): 5'-TCATCAGCGTGGTGTTCCGGCTGTTGTTTGAGGCCGTCTTCATGTATGTCTTTTATCTGC[T>A]CTACCCTGGCTATGCCATGGTGCGGCTGGTCAAGTGCGACGTCTACCCCTGCCCCAACAC-3'
Protein context (NP_000157.1, residues 146-166): EAVFMYVFYL[Leu156His]YPGYAMVRLV